The following is an entry in ClinVar:

NM_001379081.2(FREM1):c.6231G>A (p.Ala2077=)

Gene: FREM1 (FRAS1 related extracellular matrix 1; minus strand). Cytogenetic location: 9p22.3.
Variant type: single nucleotide variant.
Coding change: c.6231G>A on transcript NM_001379081.2 (MANE Select); coding-DNA position 6231, G replaced by A.
Protein change: p.Ala2077=; no amino-acid change (alanine 2077 retained).
Molecular consequence: synonymous variant. On other transcripts: non-coding transcript variant (3), intron variant (1).
Genome position (GRCh38, 1-based): chr9:14,746,376, C>T on the plus strand (G>A on the coding strand, the complement: FREM1 is on the minus strand). VCF-style: chr9-14746376-C-T. GRCh37 (hg19) VCF-style: chr9-14746374-C-T.
Other names: c.6231G>A (NM_144966.5); c.1839G>A, p.Ala613= (NM_001177704.3, NM_001370061.2); c.6231G>A, p.Ala2077= (NM_144966.7); c.1596+547G>A (NM_001370058.2).
Identifiers: ClinVar variation 1628159 (VCV001628159.10), dbSNP rs148735553, ClinGen allele CA4989496.

ClinVar aggregate classification (germline): Likely benign. Review status: criteria provided, single submitter (1 of 4 stars). 2 submissions from 2 submitters: Likely benign (1). 1 of the submissions does not count toward it. Last evaluated 2023-07-17.

Conditions:
FREM1-related disorder. Also called: FREM1-Related Disorders; FREM1-related condition.

Allele frequency attached by ClinVar (database versions not stated): ESP Exome Variant Server 0.00024; 1000 Genomes Project 30x 0.00031.
gnomAD v4.1: 41 of 1,613,594 alleles (0.0025%); highest among the groups gnomAD compares: African/African-American, 0.027%; no homozygotes.

Submissions (2):

Labcorp Genetics (formerly Invitae), Labcorp
Classification: Likely benign. Last evaluated: 2023-07-17. Review status: criteria provided, single submitter. Criteria: Invitae Variant Classification Sherloc (09022015). Collection method: clinical testing. Allele origin: germline.

PreventionGenetics, part of Exact Sciences
Classification: Likely benign for FREM1-related condition. Last evaluated: 2020-10-21. Review status: no assertion criteria provided. Collection method: clinical testing. Allele origin: germline. Not counted in ClinVar's aggregate classification.
Comment: This variant is classified as likely benign based on ACMG/AMP sequence variant interpretation guidelines (Richards et al. 2015 PMID: 25741868, with internal and published modifications).